The following is an entry in ClinVar:

NM_001367857.2(SATL1):c.329C>G (p.Ser110Trp)

Gene: SATL1 (spermidine/spermine N1-acetyl transferase like 1; minus strand). Cytogenetic location: Xq21.1.
Variant type: single nucleotide variant.
Coding change: c.329C>G on transcript NM_001367857.2 (MANE Select); coding-DNA position 329, C replaced by G.
Protein change: p.Ser110Trp; replaces serine 110 with tryptophan.
Molecular consequence: missense variant.
Genome position (GRCh38, 1-based): chrX:85,108,640, G>C on the plus strand (C>G on the coding strand, the complement: SATL1 is on the minus strand). VCF-style: chrX-85108640-G-C. GRCh37 (hg19) VCF-style: chrX-84363646-G-C.
Other names: c.329C>G, p.Ser110Trp (NM_001012980.2, NM_001367858.2); short protein forms S110W.
Identifiers: ClinVar variation 2661001 (VCV002661001.24), dbSNP rs777426142, ClinGen allele CA10464513.

ClinVar aggregate classification (germline): Conflicting classifications of pathogenicity. Review status: criteria provided, conflicting classifications (1 of 4 stars). 2 submissions from 2 submitters: Uncertain significance (1); Likely benign (1). Last evaluated 2025-04-04.

gnomAD v4.1: 20 of 1,199,196 alleles (0.0017%); highest among the groups gnomAD compares: African/African-American, 0.0035%; no homozygotes.

Submissions (2):

Ambry Genetics
Classification: Uncertain significance. Last evaluated: 2025-04-04. Review status: criteria provided, single submitter. Criteria: Ambry Variant Classification Scheme 2023. Collection method: clinical testing. Allele origin: germline.

CeGaT Center for Human Genetics Tuebingen
Classification: Likely benign. Last evaluated: 2022-10-01. Review status: criteria provided, single submitter. Criteria: CeGaT Center For Human Genetics Tuebingen Variant Classification Criteria Version 2. Collection method: clinical testing. Allele origin: germline. Affected: yes. Observed: 1 variant allele.
Comment: SATL1: BP4